The following is an entry in ClinVar:

NM_005055.5(RAPSN):c.476_477insTGTCTCTTATA (p.Met160fs)

Gene: RAPSN (receptor associated protein of the synapse; minus strand). Cytogenetic location: 11p11.2.
Variant type: Insertion.
Coding change: c.476_477insTGTCTCTTATA on transcript NM_005055.5 (MANE Select); coding-DNA positions 476 to 477, TGTCTCTTATA inserted.
Protein change: p.Met160fs; shifts the reading frame from methionine 160.
Molecular consequence: frameshift variant. On other transcripts: intron variant (1).
Genome position: GRCh38 VCF-style: chr11-47447866-G-GTATAAGAGACA. GRCh37 (hg19) VCF-style: chr11-47469418-G-GTATAAGAGACA.
Other names: c.476_477insTGTCTCTTATA, p.Met160fs (NM_001440490.1, NM_001440491.1, NM_001440492.1 and 12 more transcripts); c.192+906_192+907insTGTCTCTTATA (NM_001440504.1); short protein forms M160fs.
Identifiers: ClinVar variation 5011108 (VCV005011108.1).

ClinVar aggregate classification (germline): Pathogenic (1 of 4 stars; one submission).

Conditions:
RAPSN-related disorder. Also called: RAPSN-related condition; RAPSN-related disorders. Identifiers: MedGen CN239397.

Submission:

Myriad Genetics, Inc.
Classification: Pathogenic for RAPSN-related disorder. Last evaluated: 2024-05-14. Review status: criteria provided, single submitter. Criteria: Myriad Autosomal Dominant, Autosomal Recessive and X-Linked Classification Criteria (2023). Collection method: clinical testing. Allele origin: unknown.
Comment: NM_005055.4(RAPSN):c.476_477ins11(M160Vfs*47) is expected to be pathogenic in the context of RAPSN-related disorders. This variant is predicted to lead to an abnormal or absent protein product due to the creation of a premature termination codon in RAPSN, a gene where loss-of-function variants are known to be pathogenic. Please note: this variant was assessed in the context of healthy population screening.